The following is an entry in ClinVar:

NM_004415.4(DSP):c.251G>A (p.Arg84Gln)

Gene: DSP (desmoplakin; plus strand). Cytogenetic location: 6p24.3.
Variant type: single nucleotide variant.
Coding change: c.251G>A on transcript NM_004415.4 (MANE Select); coding-DNA position 251, G replaced by A.
Protein change: p.Arg84Gln; replaces arginine 84 with glutamine.
Molecular consequence: missense variant.
Genome position (GRCh38, 1-based): chr6:7,555,798, G>A. VCF-style: chr6-7555798-G-A. GRCh37 (hg19) VCF-style: chr6-7556031-G-A.
Other names: c.251G>A (LRG_423t1, NM_004415.3); c.251G>A, p.Arg84Gln (NM_001008844.3, NM_001319034.2); short protein forms R84Q.
Identifiers: ClinVar variation 640720 (VCV000640720.21), dbSNP rs373736975, ClinGen allele CA033711.

ClinVar aggregate classification (germline): Conflicting classifications of pathogenicity. Review status: criteria provided, conflicting classifications (1 of 4 stars). 5 submissions from 5 submitters: Uncertain significance (4); Benign (1). Last evaluated 2026-08-04.

Conditions:
Arrhythmogenic right ventricular dysplasia 8 (ARVD8). Also called: Arrhythmogenic Right Ventricular Dysplasia/Cardiomyopathy 8; ARRHYTHMOGENIC RIGHT VENTRICULAR CARDIOMYOPATHY 8; ARRHYTHMOGENIC RIGHT VENTRICULAR DYSPLASIA, FAMILIAL, 8. Identifiers: MedGen C1843896, MONDO:0011831, OMIM 607450.
Arrhythmogenic cardiomyopathy with wooly hair and keratoderma. Also called: Dilated cardiomyopathy with woolly hair and keratoderma; PALMOPLANTAR KERATODERMA WITH LEFT VENTRICULAR CARDIOMYOPATHY AND WOOLLY HAIR; Carvajal syndrome; Arrhythmogenic cardiomyopathy with woolly hair and keratoderma. Identifiers: Orphanet 65282, MedGen C1854063, MONDO:0011581, OMIM 605676.
Cardiovascular phenotype. Identifiers: MedGen CN230736.
Cardiomyopathy (CMYO). Also called: Cardiomyopathies. Identifiers: Orphanet 167848, MedGen C0878544, MONDO:0004994, HP:0001638. Inheritance: Various modes of inheritance.
DSP-related disorder. Also called: DSP-related condition; DSP-related disorders.

Allele frequency attached by ClinVar (database versions not stated): ExAC below 0.00001; gnomAD exomes 0.00001; TOPMed 0.00006; ESP Exome Variant Server 0.00008; gnomAD 0.00013.
gnomAD v4.1: 33 of 1,614,020 alleles (0.002%); highest among the groups gnomAD compares: African/African-American, 0.021%; no homozygotes.

Submissions (5):

PreventionGenetics, part of Exact Sciences
Classification: Uncertain significance for DSP-related condition. Last evaluated: 2026-08-04. Review status: criteria provided, single submitter. Criteria: ACMG Guidelines, 2015. Collection method: clinical testing. Allele origin: germline.
Comment: The DSP c.251G>A variant is predicted to result in the amino acid substitution p.Arg84Gln. This variant has been reported in individuals with dilated cardiomyopathy (McGurk et al. 2023. PubMed ID: 37652022; Supplemental Table 3, Mazzarotto et al. 2020. PubMed ID: 31983221). This variant is reported in 0.016% of alleles in individuals of African descent in gnomAD. At this time, the clinical significance of this variant is uncertain due to the absence of conclusive functional and genetic evidence.

Ambry Genetics
Classification: Uncertain significance for Cardiovascular phenotype. Last evaluated: 2025-12-22. Review status: criteria provided, single submitter. Criteria: Ambry Variant Classification Scheme 2023. Collection method: clinical testing. Allele origin: germline.

Labcorp Genetics (formerly Invitae), Labcorp
Classification: Benign for Arrhythmogenic cardiomyopathy with wooly hair and keratoderma; Arrhythmogenic right ventricular dysplasia 8. Last evaluated: 2025-12-16. Review status: criteria provided, single submitter. Criteria: Invitae Variant Classification Sherloc (09022015). Collection method: clinical testing. Allele origin: germline.

Color Diagnostics, LLC DBA Color Health
Classification: Uncertain significance for Cardiomyopathy. Last evaluated: 2025-06-24. Review status: criteria provided, single submitter. Criteria: ACMG Guidelines, 2015. Collection method: clinical testing. Allele origin: germline.
Comment: This missense variant replaces arginine with glutamine at codon 84 of the DSP protein. Computational prediction suggests that this variant may not impact protein structure and function. To our knowledge, functional studies have not been reported for this variant. This variant has been reported in an individual affected with dilated cardiomyopathy (PMID: 31983221). This variant has been identified in 7/282544 chromosomes in the general population by the Genome Aggregation Database (gnomAD). The available evidence is insufficient to determine the role of this variant in disease conclusively. Therefore, this variant is classified as a Variant of Uncertain Significance.

All of Us Research Program, National Institutes of Health
Classification: Uncertain significance for Arrhythmogenic cardiomyopathy with wooly hair and keratoderma. Last evaluated: 2024-01-11. Review status: criteria provided, single submitter. Criteria: ACMG Guidelines, 2015. Collection method: clinical testing. Allele origin: germline. Inheritance: Autosomal dominant inheritance. Observed: 6 variant alleles, 6 heterozygotes.
Comment: This missense variant replaces arginine with glutamine at codon 84 of the DSP protein. Computational prediction suggests that this variant may not impact protein structure and function (internally defined REVEL score threshold <= 0.5, PMID: 27666373). To our knowledge, functional studies have not been reported for this variant. This variant has not been reported in individuals affected with DSP-related disorders in the literature. This variant has been identified in 7/282544 chromosomes in the general population by the Genome Aggregation Database (gnomAD). The available evidence is insufficient to determine the role of this variant in disease conclusively. Therefore, this variant is classified as a Variant of Uncertain Significance.

This study involves interpretation of variants in research participants for the purpose of population health screening. Participant phenotype was not available at the time of variant classification. Additional details can be found in publication PMID: 35346344, PMCID: PMC8962531

Literature cited by the submitters: PubMed 31983221 (cited by Color Diagnostics, LLC DBA Color Health).